The following is an entry in ClinVar:

NM_015721.3(GEMIN4):c.2051G>A (p.Arg684Gln)

Gene: GEMIN4 (gem nuclear organelle associated protein 4; minus strand). Cytogenetic location: 17p13.3.
Variant type: single nucleotide variant.
Coding change: c.2051G>A on transcript NM_015721.3 (MANE Select); coding-DNA position 2051, G replaced by A.
Protein change: p.Arg684Gln; replaces arginine 684 with glutamine.
Molecular consequence: missense variant.
Genome position (GRCh38, 1-based): chr17:745,992, C>T on the plus strand (G>A on the coding strand, the complement: GEMIN4 is on the minus strand). VCF-style: chr17-745992-C-T. GRCh37 (hg19) VCF-style: chr17-649232-C-T.
Other names: c.2051G>A (NM_015721.2); short protein forms R684Q.
Identifiers: ClinVar variation 1185308 (VCV001185308.6), dbSNP rs3744741, ClinGen allele CA8262497.

ClinVar aggregate classification (germline): Benign. Review status: criteria provided, multiple submitters, no conflicts (2 of 4 stars). 4 submissions from 4 submitters: Benign (4). Last evaluated 2024-11-28.

Conditions:
Neurodevelopmental disorder with microcephaly, cataracts, and renal abnormalities. Identifiers: MedGen C4693567, MONDO:0060664, OMIM 617913.

Allele frequency attached by ClinVar (database versions not stated): ESP Exome Variant Server 0.18356; ExAC 0.19654; gnomAD exomes 0.19921; gnomAD 0.20409 and 0.20752; TOPMed 0.22047; 1000 Genomes Project 0.27696; 1000 Genomes Project 30x 0.27858.
gnomAD v4.1: 253,783 of 1,613,082 alleles (16%); highest among the groups gnomAD compares: African/African-American, 32%; 23,573 homozygotes.

Submissions (4):

Blueprint Genetics
Classification: Benign. Last evaluated: 2024-11-28. Review status: criteria provided, single submitter. Criteria: ACMG Guidelines, 2015. Collection method: clinical testing. Allele origin: germline.

Genome-Nilou Lab
Classification: Benign for Neurodevelopmental disorder with microcephaly, cataracts, and renal abnormalities. Last evaluated: 2021-07-14. Review status: criteria provided, single submitter. Criteria: ACMG Guidelines, 2015. Collection method: clinical testing. Allele origin: germline. Affected: no.

GeneDx
Classification: Benign. Last evaluated: 2020-07-15. Review status: criteria provided, single submitter. Criteria: GeneDx Variant Classification Process June 2021. Collection method: clinical testing. Allele origin: germline. Affected: yes.
Comment: This variant is associated with the following publications: (PMID: 23322153)

Breakthrough Genomics
Classification: Benign. Review status: criteria provided, single submitter. Criteria: ACMG Guidelines, 2015. Collection method: not provided. Allele origin: germline. Inheritance: Autosomal recessive inheritance. Affected: yes.